The following is an entry in ClinVar:

ClinVar aggregate classification (germline): Uncertain significance (1 of 4 stars; one submission).

Conditions:
Dementia. Identifiers: MedGen C0497327, MONDO:0001627, HP:0000726.
Bilateral tonic-clonic seizure. Also called: Generalized tonic-clonic seizures. Identifiers: MedGen C0494475, HP:0002069.

Submission:

Research Unit for Rare Diseases, 1st Faculty of Medicine, Charles University in Prague
Classification: Uncertain significance for Dementia; Bilateral tonic-clonic seizure. Last evaluated: 2019-09-06. Review status: criteria provided, single submitter. Criteria: ACMG Guidelines, 2015. Collection method: research. Allele origin: maternal. Inheritance: Autosomal dominant inheritance. Affected: yes.
Comment: The Leu425Met variant in SLC25A24 has been reported in 1 large Belgian family with autosomal dominant inheritance of dementia, segregated with the disease exclusively in combination with another SLC25A24 variant Gly253Ala in cis configuration and a C9ORF72 hexanucelotide repeat expansion. And, it was absent from large population studies. Additionally, in vitro functional studies indicated, that the Gly253Ala variant reduced transport activity of the SLC25A24 protein.

NM_013386.5(SLC25A24):c.1273C>A (p.Leu425Met)

Gene: SLC25A24 (solute carrier family 25 member 24; minus strand). Cytogenetic location: 1p13.3.
Variant type: single nucleotide variant.
Coding change: c.1273C>A on transcript NM_013386.5 (MANE Select); coding-DNA position 1273, C replaced by A.
Protein change: p.Leu425Met; replaces leucine 425 with methionine.
Molecular consequence: missense variant.
Genome position (GRCh38, 1-based): chr1:108,136,814, G>T on the plus strand (C>A on the coding strand, the complement: SLC25A24 is on the minus strand). VCF-style: chr1-108136814-G-T. GRCh37 (hg19) VCF-style: chr1-108679436-G-T.
Other names: c.1216C>A, p.Leu406Met (NM_213651.3); short protein forms L406M, L425M.
Identifiers: ClinVar variation 692156 (VCV000692156.2), dbSNP rs780069314, ClinGen allele CA341185621.